The following is an entry in ClinVar:

ClinVar aggregate classification (germline): Likely pathogenic (1 of 4 stars; one submission).

Conditions:
TMC1-related disorder. Also called: TMC1-related condition; TMC1-related disorders.

Submission:

PreventionGenetics, part of Exact Sciences
Classification: Likely pathogenic for TMC1-related condition. Last evaluated: 2026-02-04. Review status: criteria provided, single submitter. Criteria: ACMG Guidelines, 2015. Collection method: clinical testing. Allele origin: germline.
Comment: The TMC1 c.1808T>A variant is predicted to result in the amino acid substitution p.Leu603His. At PreventionGenetics, this variant was observed in the homozygous state in three related individuals with hearing loss (Internal data). This variant has not been reported in a large population database (gnomAD), indicating this variant is rare. This variant is interpreted as likely pathogenic.

NM_138691.3(TMC1):c.1808T>A (p.Leu603His)

Gene: TMC1 (transmembrane channel like 1; plus strand). Cytogenetic location: 9q21.13.
Variant type: single nucleotide variant.
Coding change: c.1808T>A on transcript NM_138691.3 (MANE Select); coding-DNA position 1808, T replaced by A.
Protein change: p.Leu603His; replaces leucine 603 with histidine.
Molecular consequence: missense variant.
Genome position (GRCh38, 1-based): chr9:72,820,886, T>A. VCF-style: chr9-72820886-T-A. GRCh37 (hg19) VCF-style: chr9-75435802-T-A.
Other names: short protein forms L603H.
Identifiers: ClinVar variation 5000128 (VCV005000128.1).